The following is an entry in ClinVar:

NM_015425.6(POLR1A):c.3988_3990del (p.Glu1330del)

Gene: POLR1A (RNA polymerase I subunit A; minus strand). Cytogenetic location: 2p11.2.
Variant type: Deletion.
Coding change: c.3988_3990del on transcript NM_015425.6 (MANE Select); coding-DNA positions 3988 to 3990, 3 bases deleted (GAG; older notation c.3988_3990delGAG).
Protein change: p.Glu1330del; deletes glutamic acid 1330.
Molecular consequence: inframe deletion.
Genome position (GRCh38, 1-based): chr2:86,038,744-86,038,746, CTC deleted on the plus strand (GAG on the coding strand, the reverse complement: POLR1A is on the minus strand); deleting any 3 consecutive bases within chr2:86,038,744-86,038,748 gives the same sequence; the c. name uses the placement nearest the transcript's 3' end. VCF-style (leftmost placement, unchanged base first): chr2-86038743-TCTC-T. GRCh37 (hg19) VCF-style: chr2-86265866-TCTC-T.
Other names: c.3988_3990del (NM_015425.3); c.3988_3990delGAG (NM_015425.6); short protein forms E1330del.
Identifiers: ClinVar variation 421169 (VCV000421169.7), dbSNP rs1064794956, ClinGen allele CA16617769.

ClinVar aggregate classification (germline): Conflicting classifications of pathogenicity. Review status: criteria provided, conflicting classifications (1 of 4 stars). 3 submissions from 3 submitters: Likely pathogenic (1); Uncertain significance (1). 1 of the submissions does not count toward it. Last evaluated 2022-11-11.

Conditions:
Acrofacial dysostosis Cincinnati type. Identifiers: Orphanet 1200, MedGen C4225317, MONDO:0014651, OMIM 616462.

Submissions (3):

GeneDx
Classification: Likely pathogenic. Last evaluated: 2022-11-11. Review status: criteria provided, single submitter. Criteria: GeneDx Variant Classification Process June 2021. Collection method: clinical testing. Allele origin: germline. Affected: yes.
Comment: Not observed at significant frequency in large population cohorts (gnomAD); In-frame deletion of 1 amino acids in a non-repeat region; In silico analysis supports a deleterious effect on protein structure/function; Has not been previously published as pathogenic or benign to our knowledge

Genomic Medicine Lab, University of California San Francisco
Classification: Uncertain significance for Acrofacial dysostosis Cincinnati type. Last evaluated: 2020-06-18. Review status: criteria provided, single submitter. Criteria: ACMG Guidelines, 2015. Collection method: clinical testing. Allele origin: de novo. Inheritance: Autosomal dominant inheritance. Affected: yes. Study: CSER-P3EGS.

OMIM
Classification: Pathogenic for ACROFACIAL DYSOSTOSIS, CINCINNATI TYPE. Last evaluated: 2024-01-05. Review status: no assertion criteria provided. Collection method: literature only. Allele origin: germline. Not counted in ClinVar's aggregate classification.

Literature cited by the submitters: PubMed 37075751 (cited by OMIM).